The following is an entry in ClinVar:

ClinVar aggregate classification (germline): Uncertain significance (1 of 4 stars; one submission).

Conditions:
Cornelia de Lange syndrome 5 (CDLS5). Also called: HDAC8-Related Cornelia de Lange Syndrome. Identifiers: Orphanet 199, MedGen C3550903, MONDO:0010471, OMIM 300882.

Submission:

Labcorp Genetics (formerly Invitae), Labcorp
Classification: Uncertain significance for Cornelia de Lange syndrome 5. Last evaluated: 2023-10-13. Review status: criteria provided, single submitter. Criteria: Invitae Variant Classification Sherloc (09022015). Collection method: clinical testing. Allele origin: germline.
Comment: This sequence change replaces glycine, which is neutral and non-polar, with arginine, which is basic and polar, at codon 117 of the HDAC8 protein (p.Gly117Arg). This variant is not present in population databases (gnomAD no frequency). This variant has not been reported in the literature in individuals affected with HDAC8-related conditions. Advanced modeling of protein sequence and biophysical properties (such as structural, functional, and spatial information, amino acid conservation, physicochemical variation, residue mobility, and thermodynamic stability) has been performed at Invitae for this missense variant, however the output from this modeling did not meet the statistical confidence thresholds required to predict the impact of this variant on HDAC8 protein function. In summary, the available evidence is currently insufficient to determine the role of this variant in disease. Therefore, it has been classified as a Variant of Uncertain Significance.

NM_018486.3(HDAC8):c.349G>A (p.Gly117Arg)

Gene: HDAC8 (histone deacetylase 8; minus strand). Cytogenetic location: Xq13.1.
Variant type: single nucleotide variant.
Coding change: c.349G>A on transcript NM_018486.3 (MANE Select); coding-DNA position 349, G replaced by A.
Protein change: p.Gly117Arg; replaces glycine 117 with arginine.
Molecular consequence: missense variant. On other transcripts: intron variant (3).
Genome position (GRCh38, 1-based): chrX:72,567,977, C>T on the plus strand (G>A on the coding strand, the complement: HDAC8 is on the minus strand). VCF-style: chrX-72567977-C-T. GRCh37 (hg19) VCF-style: chrX-71787827-C-T.
Other names: c.349G>A, p.Gly117Arg (NM_001166419.2, NM_001166420.2, NM_001166422.2 and 4 more transcripts); c.164+4080G>A (NM_001166418.2, NM_001410728.1, NM_001166448.2); short protein forms G117R.
Identifiers: ClinVar variation 2821068 (VCV002821068.3), dbSNP rs2522167309, ClinGen allele CA413574475.